The following is an entry in ClinVar:

NM_001069.3(TUBB2A):c.487A>G (p.Ile163Val)

Gene: TUBB2A (tubulin beta 2A class IIa; minus strand). Cytogenetic location: 6p25.2.
Variant type: single nucleotide variant.
Coding change: c.487A>G on transcript NM_001069.3 (MANE Select); coding-DNA position 487, A replaced by G.
Protein change: p.Ile163Val; replaces isoleucine 163 with valine.
Molecular consequence: missense variant.
Genome position (GRCh38, 1-based): chr6:3,154,714, T>C on the plus strand (A>G on the coding strand, the complement: TUBB2A is on the minus strand). VCF-style: chr6-3154714-T-C. GRCh37 (hg19) VCF-style: chr6-3154948-T-C.
Other names: c.232A>G, p.Ile78Val (NM_001310315.2); short protein forms I163V, I78V.
Identifiers: ClinVar variation 2442425 (VCV002442425.1), dbSNP rs2533524978, ClinGen allele CA362592633.

ClinVar aggregate classification (germline): Uncertain significance (1 of 4 stars; one submission).

Submission:

GeneDx
Classification: Uncertain significance. Last evaluated: 2022-08-29. Review status: criteria provided, single submitter. Criteria: GeneDx Variant Classification Process June 2021. Collection method: clinical testing. Allele origin: germline. Affected: yes.
Comment: Not observed at significant frequency in large population cohorts (gnomAD); In silico analysis supports that this missense variant does not alter protein structure/function; Has not been previously published as pathogenic or benign to our knowledge